The following is an entry in ClinVar:

ClinVar aggregate classification (germline): Uncertain significance. Review status: criteria provided, multiple submitters, no conflicts (2 of 4 stars). 2 submissions from 2 submitters: Uncertain significance (2). Last evaluated 2025-11-28.

Conditions:
Inborn genetic diseases. Identifiers: MedGen C0950123, MeSH D030342.
Baller-Gerold syndrome (BGS). Also called: CRANIOSYNOSTOSIS WITH RADIAL DEFECTS. Identifiers: Orphanet 1225, MedGen C0265308, MONDO:0009039, OMIM 218600.

Allele frequency attached by ClinVar (database versions not stated): gnomAD exomes below 0.00001.
gnomAD v4.1: 13 of 1,613,188 alleles (0.00081%); highest among the groups gnomAD compares: Non-Finnish European, 0.001%; no homozygotes.

Submissions (2):

Ambry Genetics
Classification: Uncertain significance for Inborn genetic diseases. Last evaluated: 2025-11-28. Review status: criteria provided, single submitter. Criteria: Ambry Variant Classification Scheme 2023. Collection method: clinical testing. Allele origin: germline.
Comment: The p.P299S variant (also known as c.895C>T), located in coding exon 5 of the RECQL4 gene, results from a C to T substitution at nucleotide position 895. The proline at codon 299 is replaced by serine, an amino acid with similar properties. This amino acid position is conserved. In addition, this alteration is predicted to be tolerated by in silico analysis. Based on the available evidence, the clinical significance of this variant remains unclear.

Labcorp Genetics (formerly Invitae), Labcorp
Classification: Uncertain significance for Baller-Gerold syndrome. Last evaluated: 2024-08-28. Review status: criteria provided, single submitter. Criteria: Invitae Variant Classification Sherloc (09022015). Collection method: clinical testing. Allele origin: germline.
Comment: This sequence change replaces proline, which is neutral and non-polar, with serine, which is neutral and polar, at codon 299 of the RECQL4 protein (p.Pro299Ser). This variant is present in population databases (no rsID available, gnomAD 0.0009%). This variant has not been reported in the literature in individuals affected with RECQL4-related conditions. ClinVar contains an entry for this variant (Variation ID: 939711). Invitae Evidence Modeling of protein sequence and biophysical properties (such as structural, functional, and spatial information, amino acid conservation, physicochemical variation, residue mobility, and thermodynamic stability) indicates that this missense variant is not expected to disrupt RECQL4 protein function with a negative predictive value of 80%. In summary, the available evidence is currently insufficient to determine the role of this variant in disease. Therefore, it has been classified as a Variant of Uncertain Significance.

NM_004260.4(RECQL4):c.895C>T (p.Pro299Ser)

Gene: RECQL4 (RecQ like helicase 4; minus strand). Cytogenetic location: 8q24.3.
Variant type: single nucleotide variant.
Coding change: c.895C>T on transcript NM_004260.4 (MANE Select); coding-DNA position 895, C replaced by T.
Protein change: p.Pro299Ser; replaces proline 299 with serine.
Molecular consequence: missense variant.
Genome position (GRCh38, 1-based): chr8:144,516,224, G>A on the plus strand (C>T on the coding strand, the complement: RECQL4 is on the minus strand). VCF-style: chr8-144516224-G-A. GRCh37 (hg19) VCF-style: chr8-145741608-G-A.
Other names: short protein forms P299S.
Identifiers: ClinVar variation 939711 (VCV000939711.6), dbSNP rs1319378486, ClinGen allele CA372688740.